The following is an entry in ClinVar:

ClinVar aggregate classification (germline): Uncertain significance (1 of 4 stars; one submission).

Allele frequency attached by ClinVar (database versions not stated): gnomAD exomes below 0.00001.
gnomAD v4.1: 1 of 1,508,372 alleles (0.000066%); highest among the groups gnomAD compares: Admixed American, 0.0023%; no homozygotes.

Submission:

Labcorp Genetics (formerly Invitae), Labcorp
Classification: Uncertain significance. Last evaluated: 2023-05-15. Review status: criteria provided, single submitter. Criteria: Invitae Variant Classification Sherloc (09022015). Collection method: clinical testing. Allele origin: germline.
Comment: An algorithm developed to predict the effect of missense changes on protein structure and function (PolyPhen-2) suggests that this variant is likely to be disruptive. ClinVar contains an entry for this variant (Variation ID: 1461967). This variant has not been reported in the literature in individuals affected with RUSC2-related conditions. This variant is not present in population databases (gnomAD no frequency). In summary, the available evidence is currently insufficient to determine the role of this variant in disease. Therefore, it has been classified as a Variant of Uncertain Significance. This sequence change replaces histidine, which is basic and polar, with glutamine, which is neutral and polar, at codon 21 of the RUSC2 protein (p.His21Gln).

NM_014806.5(RUSC2):c.63C>A (p.His21Gln)

Gene: RUSC2 (RUN and SH3 domain containing 2; plus strand). Cytogenetic location: 9p13.3.
Variant type: single nucleotide variant.
Coding change: c.63C>A on transcript NM_014806.5 (MANE Select); coding-DNA position 63, C replaced by A.
Protein change: p.His21Gln; replaces histidine 21 with glutamine.
Molecular consequence: missense variant. On other transcripts: non-coding transcript variant (1), intron variant (1).
Genome position (GRCh38, 1-based): chr9:35,546,584, C>A. VCF-style: chr9-35546584-C-A. GRCh37 (hg19) VCF-style: chr9-35546581-C-A.
Other names: c.63C>A, p.His21Gln (NM_001135999.2); c.-620-8476C>A (NM_001330740.2); short protein forms H21Q.
Identifiers: ClinVar variation 1461967 (VCV001461967.8), dbSNP rs2132550715, ClinGen allele CA373325718.